The following is an entry in ClinVar:

ClinVar aggregate classification (germline): Benign/Likely benign. Review status: criteria provided, multiple submitters, no conflicts (2 of 4 stars). 14 submissions from 13 submitters: Benign (9); Likely benign (1). 4 of the submissions do not count toward it. Last evaluated 2026-02-04.

Conditions:
Muscular dystrophy-dystroglycanopathy (congenital with brain and eye anomalies), type A6. Also called: MUSCULAR DYSTROPHY-DYSTROGLYCANOPATHY (CONGENITAL WITH BRAIN AND EYE ANOMALIES), TYPE A, 6; WALKER-WARBURG SYNDROME OR MUSCLE-EYE-BRAIN DISEASE, LARGE-RELATED. Identifiers: Orphanet 588, Orphanet 899, MedGen C3150414, MONDO:0013158, OMIM 613154.
Muscular dystrophy-dystroglycanopathy type B6 (MDDGB6). Also called: MUSCULAR DYSTROPHY-DYSTROGLYCANOPATHY (CONGENITAL WITH IMPAIRED INTELLECTUAL DEVELOPMENT), TYPE B, 6; MUSCULAR DYSTROPHY, CONGENITAL, LARGE-RELATED; MUSCULAR DYSTROPHY, CONGENITAL, TYPE 1D. Identifiers: MedGen C1837229, MONDO:0012138, OMIM 608840.

Allele frequency attached by ClinVar (database versions not stated): ESP Exome Variant Server 0.37521; gnomAD 0.39804 and 0.40687; TOPMed 0.39814; 1000 Genomes Project 30x 0.40225; 1000 Genomes Project 0.41294; ExAC 0.47711; gnomAD exomes 0.48773 and 0.49216.
gnomAD v4.1: 780,548 of 1,612,472 alleles (48%); highest among the groups gnomAD compares: East Asian, 59%; 194,473 homozygotes.

Submissions (14):

Labcorp Genetics (formerly Invitae), Labcorp
Classification: Benign for Muscular dystrophy-dystroglycanopathy type B6. Last evaluated: 2026-02-04. Review status: criteria provided, single submitter. Criteria: Invitae Variant Classification Sherloc (09022015). Collection method: clinical testing. Allele origin: germline.

Blueprint Genetics
Classification: Likely benign. Last evaluated: 2024-11-28. Review status: criteria provided, single submitter. Criteria: ACMG Guidelines, 2015. Collection method: clinical testing. Allele origin: germline.

Athena Diagnostics
Classification: Benign. Last evaluated: 2018-05-07. Review status: criteria provided, single submitter. Criteria: Athena Diagnostics Criteria. Collection method: clinical testing. Allele origin: germline.

Mayo Clinic Laboratories, Mayo Clinic
Classification: Benign. Last evaluated: 2018-03-12. Review status: criteria provided, single submitter. Criteria: ACMG Guidelines, 2015. Collection method: clinical testing. Allele origin: germline. Observed: 857 variant alleles.

Illumina Laboratory Services, Illumina
Classification: Benign for Muscular dystrophy-dystroglycanopathy type B6. Last evaluated: 2018-01-13. Review status: criteria provided, single submitter. Criteria: ICSL Variant Classification Criteria 13 December 2019. Collection method: clinical testing. Allele origin: germline.
Comment: This variant was observed in the ICSL laboratory as part of a predisposition screen in an ostensibly healthy population. It had not been previously curated by ICSL or reported in the Human Gene Mutation Database (HGMD: prior to June 1st, 2018), and was therefore a candidate for classification through an automated scoring system. Utilizing variant allele frequency, disease prevalence and penetrance estimates, and inheritance mode, an automated score was calculated to assess if this variant is too frequent to cause the disease. Based on the score and internal cut-off values, a variant classified as benign is not then subjected to further curation. The score for this variant resulted in a classification of benign for this disease.

Illumina Laboratory Services, Illumina
Classification: Benign for Muscular dystrophy-dystroglycanopathy (congenital with brain and eye anomalies), type A6. Last evaluated: 2018-01-13. Review status: criteria provided, single submitter. Criteria: ICSL Variant Classification Criteria 13 December 2019. Collection method: clinical testing. Allele origin: germline.
Comment: the same text as in the submission from Illumina Laboratory Services, Illumina above.

GeneDx
Classification: Benign. Last evaluated: 2015-03-03. Review status: criteria provided, single submitter. Criteria: GeneDx Variant Classification Process June 2021. Collection method: clinical testing. Allele origin: germline. Affected: yes.

Eurofins Ntd Llc (ga)
Classification: Benign. Last evaluated: 2012-09-13. Review status: criteria provided, single submitter. Criteria: EGL Classification Definitions 2015. Collection method: clinical testing. Allele origin: germline. Observed: 44 variant alleles, 25 heterozygotes, 19 homozygotes.

Breakthrough Genomics
Classification: Benign. Review status: criteria provided, single submitter. Criteria: ACMG Guidelines, 2015. Collection method: not provided. Allele origin: germline. Inheritance: Autosomal recessive inheritance. Affected: yes.

PreventionGenetics, part of Exact Sciences
Classification: Benign. Review status: criteria provided, single submitter. Criteria: ACMG Guidelines, 2015. Collection method: clinical testing. Allele origin: germline.

Clinical Genetics DNA and cytogenetics Diagnostics Lab, Erasmus MC, Erasmus Medical Center
Classification: Benign. Review status: no assertion criteria provided. Collection method: clinical testing. Allele origin: germline. Affected: yes. Study: VKGL Data-share Consensus. Not counted in ClinVar's aggregate classification.

Diagnostic Laboratory, Department of Genetics, University Medical Center Groningen
Classification: Benign. Review status: no assertion criteria provided. Collection method: clinical testing. Allele origin: germline. Affected: yes. Study: VKGL Data-share Consensus. Not counted in ClinVar's aggregate classification.

Genetic Services Laboratory, University of Chicago
Classification: Likely benign. Review status: no assertion criteria provided. Collection method: clinical testing. Allele origin: germline. Inheritance: Autosomal recessive inheritance. Not counted in ClinVar's aggregate classification.
Comment: Likely benign based on allele frequency in 1000 Genomes Project or ESP global frequency and its presence in a patient with a rare or unrelated disease phenotype. NOT Sanger confirmed

Joint Genome Diagnostic Labs from Nijmegen and Maastricht, Radboudumc and MUMC+
Classification: Benign. Review status: no assertion criteria provided. Collection method: clinical testing. Allele origin: germline. Affected: yes. Study: VKGL Data-share Consensus. Not counted in ClinVar's aggregate classification.

NM_133642.5(LARGE1):c.435C>T (p.Ala145=)

Gene: LARGE1 (LARGE xylosyl- and glucuronyltransferase 1; minus strand). Cytogenetic location: 22q12.3.
Variant type: single nucleotide variant.
Coding change: c.435C>T on transcript NM_133642.5 (MANE Select); coding-DNA position 435, C replaced by T.
Protein change: p.Ala145=; no amino-acid change (alanine 145 retained).
Molecular consequence: synonymous variant.
Genome position (GRCh38, 1-based): chr22:33,626,300, G>A on the plus strand (C>T on the coding strand, the complement: LARGE1 is on the minus strand). VCF-style: chr22-33626300-G-A. GRCh37 (hg19) VCF-style: chr22-34022284-G-A.
Other names: p.Ala145=; c.435C>T (NM_004737.6); c.435C>T, p.Ala145= (NM_001362949.2, NM_001362951.2, NM_001362953.2 and 7 more transcripts).
Identifiers: ClinVar variation 95175 (VCV000095175.34), dbSNP rs86487, ClinGen allele CA148287.